The following is an entry in ClinVar:

NM_016194.4(GNB5):c.142C>G (p.Leu48Val)

Genes: GNB5 (G protein subunit beta 5; minus strand), LOC130057083 (ATAC-STARR-seq lymphoblastoid silent region 6445; plus strand). Cytogenetic location: 15q21.2.
Variant type: single nucleotide variant.
Coding change: c.142C>G on transcript NM_016194.4 (MANE Select); coding-DNA position 142, C replaced by G.
Protein change: p.Leu48Val; replaces leucine 48 with valine.
Molecular consequence: missense variant.
Genome position (GRCh38, 1-based): chr15:52,179,864, G>C on the plus strand (C>G on the coding strand, the complement: GNB5 is on the minus strand). VCF-style: chr15-52179864-G-C. GRCh37 (hg19) VCF-style: chr15-52472061-G-C.
Other names: c.16C>G, p.Leu6Val (NM_006578.4); short protein forms L48V, L6V.
Identifiers: ClinVar variation 4082632 (VCV004082632.1).

ClinVar aggregate classification (germline): Uncertain significance (1 of 4 stars; one submission).

Submission:

GeneDx
Classification: Uncertain significance. Last evaluated: 2025-03-03. Review status: criteria provided, single submitter. Criteria: GeneDx Variant Classification Process June 2021. Collection method: clinical testing. Allele origin: germline. Affected: yes.
Comment: Not observed at significant frequency in large population cohorts (gnomAD); In silico analysis indicates that this missense variant does not alter protein structure/function; Has not been previously published as pathogenic or benign to our knowledge